The following is an entry in ClinVar:

NM_024753.5(TTC21B):c.1274C>G (p.Thr425Ser)

Gene: TTC21B (tetratricopeptide repeat domain 21B; minus strand). Cytogenetic location: 2q24.3.
Variant type: single nucleotide variant.
Coding change: c.1274C>G on transcript NM_024753.5 (MANE Select); coding-DNA position 1274, C replaced by G.
Protein change: p.Thr425Ser; replaces threonine 425 with serine.
Molecular consequence: missense variant.
Genome position (GRCh38, 1-based): chr2:165,929,247, G>C on the plus strand (C>G on the coding strand, the complement: TTC21B is on the minus strand). VCF-style: chr2-165929247-G-C. GRCh37 (hg19) VCF-style: chr2-166785757-G-C.
Other names: short protein forms T425S.
Identifiers: ClinVar variation 1723596 (VCV001723596.3), dbSNP rs2468209288, ClinGen allele CA349065144.
Genomic context (GRCh38, chr2:165,929,247, plus strand): 5'-GGATTTAGCTTTTCAAAATACTGTATGCCAAGAGGCAAACCTTCTAATTGTGAAAAGTGA[G>C]TGTCCAGGACATCATTTAACAAATTAATAACTTCTTCTTGTCGTTTATTTTTCTTCATGG-3'
Protein context (NP_079029.3, residues 415-435): VINLLNDVLD[Thr425Ser]HFSQLEGLPL

ClinVar aggregate classification (germline): Uncertain significance. Review status: criteria provided, multiple submitters, no conflicts (2 of 4 stars). 2 submissions from 2 submitters: Uncertain significance (2). Last evaluated 2024-06-01.

Conditions:
Nephronophthisis 12 (NPHP12). Identifiers: Orphanet 655, MedGen C3151186, MONDO:0013442, OMIM 613820.
Asphyxiating thoracic dystrophy 4 (SRTD4). Also called: SHORT-RIB THORACIC DYSPLASIA 4 WITH OR WITHOUT POLYDACTYLY; SHORT-RIB THORACIC DYSPLASIA 4. Identifiers: Orphanet 474, MedGen C3151185, MONDO:0013441, OMIM 613819.

Submissions (2):

Fulgent Genetics
Classification: Uncertain significance for Asphyxiating thoracic dystrophy 4; Nephronophthisis 12. Last evaluated: 2024-06-01. Review status: criteria provided, single submitter. Criteria: ACMG Guidelines, 2015. Collection method: clinical testing. Allele origin: germline.

GeneDx
Classification: Uncertain significance. Last evaluated: 2022-05-10. Review status: criteria provided, single submitter. Criteria: GeneDx Variant Classification Process June 2021. Collection method: clinical testing. Allele origin: germline. Affected: yes.
Comment: Not observed at significant frequency in large population cohorts (gnomAD); In silico analysis supports that this missense variant does not alter protein structure/function; Has not been previously published as pathogenic or benign to our knowledge